The following is an entry in ClinVar:

ClinVar aggregate classification (germline): Benign/Likely benign. Review status: criteria provided, multiple submitters, no conflicts (2 of 4 stars). 11 submissions from 11 submitters: Benign (5); Likely benign (5). 1 of the submissions does not count toward it. Last evaluated 2026-02-03.

Conditions:
Hereditary cancer-predisposing syndrome. Also called: Neoplastic Syndromes, Hereditary; Hereditary Cancer Syndrome; Tumor predisposition; Hereditary neoplastic syndrome. Identifiers: Orphanet 140162, MedGen C0027672, MeSH D009386, MONDO:0015356.
Gorlin syndrome. Also called: Nevoid Basal Cell Carcinoma Syndrome; Basal cell nevus syndrome. Identifiers: Orphanet 377, MedGen C0004779, MONDO:0007187.
PTCH1-related disorder. Also called: PTCH1-related disorders; PTCH1-related condition.

Allele frequency attached by ClinVar (database versions not stated): ESP Exome Variant Server 0.00015; 1000 Genomes Project 30x 0.00016; 1000 Genomes Project 0.00020; TOPMed 0.00020; gnomAD 0.00021 and 0.00022; gnomAD exomes 0.00022 and 0.00026; ExAC 0.00027.
gnomAD v4.1: 360 of 1,614,172 alleles (0.022%); highest among the groups gnomAD compares: Middle Eastern, 0.082%; no homozygotes.

Submissions (11):

Labcorp Genetics (formerly Invitae), Labcorp
Classification: Benign for Gorlin syndrome. Last evaluated: 2026-02-03. Review status: criteria provided, single submitter. Criteria: Invitae Variant Classification Sherloc (09022015). Collection method: clinical testing. Allele origin: germline.

Quest Diagnostics Nichols Institute San Juan Capistrano
Classification: Benign. Last evaluated: 2025-10-27. Review status: criteria provided, single submitter. Criteria: Quest Diagnostics criteria. Collection method: clinical testing. Allele origin: unknown.

CeGaT Center for Human Genetics Tuebingen
Classification: Likely benign. Last evaluated: 2025-09-01. Review status: criteria provided, single submitter. Criteria: CeGaT Center For Human Genetics Tuebingen Variant Classification Criteria Version 2. Collection method: clinical testing. Allele origin: germline. Affected: yes. Observed: 3 variant alleles.
Comment: PTCH1: BP4, BS2

ARUP Laboratories, Molecular Genetics and Genomics, ARUP Laboratories
Classification: Likely benign. Last evaluated: 2025-05-07. Review status: criteria provided, single submitter. Criteria: ARUP Molecular Germline Variant Investigation Process 2024. Collection method: clinical testing. Allele origin: germline.

Center for Genomic Medicine, Rigshospitalet, Copenhagen University Hospital
Classification: Likely benign. Last evaluated: 2025-03-04. Review status: criteria provided, single submitter. Criteria: ACMG Guidelines, 2015. Collection method: clinical testing. Allele origin: germline.

Blueprint Genetics
Classification: Likely benign. Last evaluated: 2024-11-22. Review status: criteria provided, single submitter. Criteria: ACMG Guidelines, 2015. Collection method: clinical testing. Allele origin: germline.

KCCC/NGS Laboratory, Kuwait Cancer Control Center
Classification: Benign for Basal cell nevus syndrome 1. Last evaluated: 2023-07-07. Review status: criteria provided, single submitter. Criteria: ACMG Guidelines, 2015. Collection method: clinical testing. Allele origin: germline. Affected: yes.

Sema4
Classification: Benign for Hereditary cancer-predisposing syndrome. Last evaluated: 2021-05-05. Review status: criteria provided, single submitter. Criteria: Sema4 Curation Guidelines. Collection method: curation. Allele origin: germline.

Ambry Genetics
Classification: Likely benign for Hereditary cancer-predisposing syndrome. Last evaluated: 2017-02-14. Review status: criteria provided, single submitter. Criteria: Ambry Variant Classification Scheme 2023. Collection method: clinical testing. Allele origin: germline.

GeneDx
Classification: Benign. Last evaluated: 2015-03-26. Review status: criteria provided, single submitter. Criteria: GeneDx Variant Classification (06012015). Collection method: clinical testing. Allele origin: germline. Affected: yes.
Comment: This variant is considered likely benign or benign based on one or more of the following criteria: it is a conservative change, it occurs at a poorly conserved position in the protein, it is predicted to be benign by multiple in silico algorithms, and/or has population frequency not consistent with disease.

PreventionGenetics, part of Exact Sciences
Classification: Likely benign for PTCH1-related condition. Last evaluated: 2021-12-30. Review status: no assertion criteria provided. Collection method: clinical testing. Allele origin: germline. Not counted in ClinVar's aggregate classification.
Comment: This variant is classified as likely benign based on ACMG/AMP sequence variant interpretation guidelines (Richards et al. 2015 PMID: 25741868, with internal and published modifications).

NM_000264.5(PTCH1):c.3150C>T (p.Pro1050=)

Gene: PTCH1 (patched 1; minus strand). Cytogenetic location: 9q22.32.
Variant type: single nucleotide variant.
Coding change: c.3150C>T on transcript NM_000264.5 (MANE Select); coding-DNA position 3150, C replaced by T.
Protein change: p.Pro1050=; no amino-acid change (proline 1050 retained).
Molecular consequence: synonymous variant. On other transcripts: non-coding transcript variant (1).
Genome position (GRCh38, 1-based): chr9:95,458,031, G>A on the plus strand (C>T on the coding strand, the complement: PTCH1 is on the minus strand). VCF-style: chr9-95458031-G-A. GRCh37 (hg19) VCF-style: chr9-98220313-G-A.
Other names: c.2952C>T, p.Pro984= (NM_001083602.3); c.3147C>T, p.Pro1049= (NM_001083603.3); c.2697C>T, p.Pro899= (NM_001083604.3, NM_001083605.3, NM_001083606.3 and 1 more transcripts); c.2994C>T, p.Pro998= (NM_001354918.2); c.3150C>T (NM_000264.4).
Identifiers: ClinVar variation 220385 (VCV000220385.39), dbSNP rs149398794, ClinGen allele CA350006.
Genomic context (GRCh38, chr9:95,458,031, plus strand): 5'-AAAGGAATTTGACTTCCACAAAGCCCCTTATAATACACTCACAATGATCCCGGCCGTCCA[G>A]GGGTTCAGAAGGAAGACAGCGCACACGAGGAATGTGCAGGCCAACACCACGCTGATGAAC-3'
Protein context (NP_000255.2, residues 1040-1060): FLVCAVFLLN[Pro1050=]WTAGIIVMVL